The following is an entry in ClinVar:

ClinVar aggregate classification (germline): Uncertain significance (1 of 4 stars; one submission).

Conditions:
Autosomal recessive distal spinal muscular atrophy 2. Also called: NEURONOPATHY, DISTAL HEREDITARY MOTOR, JERASH TYPE; NEUROPATHY, DISTAL HEREDITARY MOTOR, JERASH TYPE; SPINAL MUSCULAR ATROPHY, JERASH TYPE; Hereditary motor neuropathy, Jerash type; Motor neuropathy, distal, Jerash type; NEUROPATHY, DISTAL HEREDITARY MOTOR, AUTOSOMAL RECESSIVE 2. Identifiers: Orphanet 139552, MedGen C1854023, MONDO:0011585, OMIM 605726.
Amyotrophic lateral sclerosis type 16. Also called: AMYOTROPHIC LATERAL SCLEROSIS 16, JUVENILE. Identifiers: Orphanet 300605, MedGen C3280587, MONDO:0013715, OMIM 614373.

Allele frequency attached by ClinVar (database versions not stated): gnomAD exomes below 0.00001; gnomAD 0.00001; TOPMed below 0.00001.
gnomAD v4.1: 7 of 1,557,862 alleles (0.00045%); highest among the groups gnomAD compares: Admixed American, 0.0038%; no homozygotes.

Submission:

Labcorp Genetics (formerly Invitae), Labcorp
Classification: Uncertain significance for Autosomal recessive distal spinal muscular atrophy 2; Amyotrophic lateral sclerosis type 16. Last evaluated: 2022-05-15. Review status: criteria provided, single submitter. Criteria: Invitae Variant Classification Sherloc (09022015). Collection method: clinical testing. Allele origin: germline.
Comment: Algorithms developed to predict the effect of sequence changes on RNA splicing suggest that this variant is not likely to affect RNA splicing. In summary, the available evidence is currently insufficient to determine the role of this variant in disease. Therefore, it has been classified as a Variant of Uncertain Significance. This variant has not been reported in the literature in individuals affected with SIGMAR1-related conditions. The frequency data for this variant in the population databases is considered unreliable, as metrics indicate poor data quality at this position in the gnomAD database. This sequence change affects codon 117 of the SIGMAR1 mRNA. It is a 'silent' change, meaning that it does not change the encoded amino acid sequence of the SIGMAR1 protein. It affects a nucleotide within the consensus splice site.

NM_005866.4(SIGMAR1):c.351G>T (p.Ser117=)

Gene: SIGMAR1 (sigma receptor chaperone 1; minus strand). Cytogenetic location: 9p13.3.
Variant type: single nucleotide variant.
Coding change: c.351G>T on transcript NM_005866.4 (MANE Select); coding-DNA position 351, G replaced by T.
Protein change: p.Ser117=; no amino-acid change (serine 117 retained).
Molecular consequence: synonymous variant. On other transcripts: intron variant (2).
Genome position (GRCh38, 1-based): chr9:34,637,221, C>A on the plus strand (G>T on the coding strand, the complement: SIGMAR1 is on the minus strand). VCF-style: chr9-34637221-C-A. GRCh37 (hg19) VCF-style: chr9-34637218-C-A.
Other names: c.351G>T, p.Ser117= (NM_001282205.2, NM_001282208.2, NM_147157.3); c.291G>T, p.Ser97= (NM_001282207.2); c.305+46G>T (NM_001282209.2); c.52+46G>T (NM_001282206.2).
Identifiers: ClinVar variation 2185931 (VCV002185931.4), dbSNP rs749754274, ClinGen allele CA192662145.